The following is an entry in ClinVar:

NM_004260.4(RECQL4):c.2597_2599dup (p.Gly866_Ala867insGly)

Gene: RECQL4 (RecQ like helicase 4; minus strand). Cytogenetic location: 8q24.3.
Variant type: Duplication.
Coding change: c.2597_2599dup on transcript NM_004260.4 (MANE Select); coding-DNA positions 2597 to 2599, 3 bases duplicated (GGG; older notation c.2597_2599dupGGG).
Protein change: p.Gly866_Ala867insGly.
Molecular consequence: inframe insertion. On other transcripts: non-coding transcript variant (3).
Genome position (GRCh38, 1-based): chr8:144,513,003-144,513,005, CCC duplicated on the plus strand (GGG on the coding strand, the reverse complement: RECQL4 is on the minus strand); duplicating any 3 consecutive bases within chr8:144,513,003-144,513,006 gives the same sequence; the c. name uses the placement nearest the transcript's 3' end. VCF-style (leftmost placement, unchanged base first): chr8-144513002-G-GCCC. GRCh37 (hg19) VCF-style: chr8-145738385-G-GCCC.
Other names: c.2303_2305dup, p.Gly768_Ala769insGly (NM_001413017.1); c.2399_2401dup, p.Gly800_Ala801insGly (NM_001413018.1); c.2597_2599dup, p.Gly866_Ala867insGly (NM_001413019.1, NM_001413036.1); c.2501_2503dup, p.Gly834_Ala835insGly (NM_001413020.1); c.1526_1528dup, p.Gly509_Ala510insGly (NM_001413021.1, NM_001413022.1, NM_001413023.1 and 5 more transcripts); c.2468_2470dup, p.Gly823_Ala824insGly (NM_001413025.1); c.1460_1462dup, p.Gly487_Ala488insGly (NM_001413027.1, NM_001413030.1, NM_001413032.1 and 1 more transcripts); c.2246_2248dup, p.Gly749_Ala750insGly (NM_001413029.1); and 6 more.
Identifiers: ClinVar variation 4729022 (VCV004729022.1).

ClinVar aggregate classification (germline): Uncertain significance (1 of 4 stars; one submission).

Conditions:
Baller-Gerold syndrome (BGS). Also called: CRANIOSYNOSTOSIS WITH RADIAL DEFECTS. Identifiers: Orphanet 1225, MedGen C0265308, MONDO:0009039, OMIM 218600.

Submission:

Labcorp Genetics (formerly Invitae), Labcorp
Classification: Uncertain significance for Baller-Gerold syndrome. Last evaluated: 2025-10-12. Review status: criteria provided, single submitter. Criteria: Invitae Variant Classification Sherloc (09022015). Collection method: clinical testing. Allele origin: germline.
Comment: This variant, c.2597_2599dup, results in the insertion of 1 amino acid(s) of the RECQL4 protein (p.Gly866dup), but otherwise preserves the integrity of the reading frame. This variant is not present in population databases (gnomAD no frequency). This variant has not been reported in the literature in individuals affected with RECQL4-related conditions. In summary, the available evidence is currently insufficient to determine the role of this variant in disease. Therefore, it has been classified as a Variant of Uncertain Significance.